The following is an entry in ClinVar:

ClinVar aggregate classification (germline): Conflicting classifications of pathogenicity. Review status: criteria provided, conflicting classifications (1 of 4 stars). 5 submissions from 5 submitters: Uncertain significance (2); Benign (1); Likely benign (1). 1 of the submissions does not count toward it. Last evaluated 2026-01-18.

Conditions:
COX15-related disorder. Also called: COX15-related condition.
Leigh syndrome (NULS). Also called: LEIGH SYNDROME, NUCLEAR; Leigh's necrotizing encephalopathy; Leigh's disease; Leigh's syndrome; Leigh Disease; Subacute necrotizing encephalopathy. Identifiers: Orphanet 506, MedGen C2931891, MONDO:0009723, OMIM 256000.

Allele frequency attached by ClinVar (database versions not stated): gnomAD 0.00021 and 0.00036; ESP Exome Variant Server 0.00023; TOPMed 0.00037; gnomAD exomes 0.00056; 1000 Genomes Project 30x 0.00125; 1000 Genomes Project 0.00140.
gnomAD v4.1: 862 of 1,614,078 alleles (0.053%); highest among the groups gnomAD compares: East Asian, 1.4%; 8 homozygotes.

Submissions (5):

Labcorp Genetics (formerly Invitae), Labcorp
Classification: Likely benign. Last evaluated: 2026-01-18. Review status: criteria provided, single submitter. Criteria: Invitae Variant Classification Sherloc (09022015). Collection method: clinical testing. Allele origin: germline.

Blueprint Genetics
Classification: Uncertain significance. Last evaluated: 2024-11-18. Review status: criteria provided, single submitter. Criteria: ACMG Guidelines, 2015. Collection method: clinical testing. Allele origin: germline.

GeneDx
Classification: Uncertain significance. Last evaluated: 2022-04-06. Review status: criteria provided, single submitter. Criteria: GeneDx Variant Classification Process June 2021. Collection method: clinical testing. Allele origin: germline. Affected: yes.
Comment: In silico analysis supports that this missense variant has a deleterious effect on protein structure/function; Has not been previously published as pathogenic or benign to our knowledge

Illumina Laboratory Services, Illumina
Classification: Benign for Leigh syndrome. Last evaluated: 2017-04-27. Review status: criteria provided, single submitter. Criteria: ICSL Variant Classification Criteria 13 December 2019. Collection method: clinical testing. Allele origin: germline.
Comment: This variant was observed as part of a predisposition screen in an ostensibly healthy population. A literature search was performed for the gene, cDNA change, and amino acid change (where applicable). No publications were found based on this search. Allele frequency data from public databases was too high to be consistent with this variant causing disease. Therefore, this variant is classified as benign.

PreventionGenetics, part of Exact Sciences
Classification: Likely benign for COX15-related condition. Last evaluated: 2020-09-03. Review status: no assertion criteria provided. Collection method: clinical testing. Allele origin: germline. Not counted in ClinVar's aggregate classification.
Comment: This variant is classified as likely benign based on ACMG/AMP sequence variant interpretation guidelines (Richards et al. 2015 PMID: 25741868, with internal and published modifications).

NM_078470.6(COX15):c.664C>T (p.Arg222Cys)

Gene: COX15 (cytochrome c oxidase assembly factor COX15; minus strand). Cytogenetic location: 10q24.2.
Variant type: single nucleotide variant.
Coding change: c.664C>T on transcript NM_078470.6 (MANE Select); coding-DNA position 664, C replaced by T.
Protein change: p.Arg222Cys; replaces arginine 222 with cysteine.
Molecular consequence: missense variant. On other transcripts: non-coding transcript variant (1).
Genome position (GRCh38, 1-based): chr10:99,724,042, G>A on the plus strand (C>T on the coding strand, the complement: COX15 is on the minus strand). VCF-style: chr10-99724042-G-A. GRCh37 (hg19) VCF-style: chr10-101483799-G-A.
Other names: c.664C>T, p.Arg222Cys (NM_001320974.2, NM_001320975.2, NM_001372024.1 and 5 more transcripts); c.127C>T, p.Arg43Cys (NM_001320976.2); short protein forms R43C, R222C.
Identifiers: ClinVar variation 724901 (VCV000724901.17), dbSNP rs2231682, ClinGen allele CA5642212.